The following is an entry in ClinVar:

ClinVar aggregate classification (germline): Uncertain significance (1 of 4 stars; one submission).

Submission:

Labcorp Genetics (formerly Invitae), Labcorp
Classification: Uncertain significance. Last evaluated: 2022-11-01. Review status: criteria provided, single submitter. Criteria: Invitae Variant Classification Sherloc (09022015). Collection method: clinical testing. Allele origin: germline.
Comment: This sequence change replaces tyrosine, which is neutral and polar, with cysteine, which is neutral and slightly polar, at codon 260 of the TTC19 protein (p.Tyr260Cys). This variant is not present in population databases (gnomAD no frequency). This variant has not been reported in the literature in individuals affected with TTC19-related conditions. Advanced modeling of protein sequence and biophysical properties (such as structural, functional, and spatial information, amino acid conservation, physicochemical variation, residue mobility, and thermodynamic stability) performed at Invitae indicates that this missense variant is expected to disrupt TTC19 protein function. In summary, the available evidence is currently insufficient to determine the role of this variant in disease. Therefore, it has been classified as a Variant of Uncertain Significance.

NM_017775.4(TTC19):c.779A>G (p.Tyr260Cys)

Gene: TTC19 (tetratricopeptide repeat domain 19; plus strand). Cytogenetic location: 17p12.
Variant type: single nucleotide variant.
Coding change: c.779A>G on transcript NM_017775.4 (MANE Select); coding-DNA position 779, A replaced by G.
Protein change: p.Tyr260Cys; replaces tyrosine 260 with cysteine.
Molecular consequence: missense variant.
Genome position (GRCh38, 1-based): chr17:16,025,119, A>G. VCF-style: chr17-16025119-A-G. GRCh37 (hg19) VCF-style: chr17-15928433-A-G.
Other names: c.458A>G, p.Tyr153Cys (NM_001271420.2); short protein forms Y153C, Y260C.
Identifiers: ClinVar variation 2013650 (VCV002013650.1), dbSNP rs2549951377, ClinGen allele CA398375026.
Genomic context (GRCh38, chr17:16,025,119, plus strand): 5'-TAGACGCCTGTGCTCGCTACCTTCTGTTCTCCAAGCAGCCGTCACAGGCACAAAGGATGT[A>G]TGAAAAAGCTCTGCAGATTTCTGAAGAAATACAAGGAGAAAGACACCCACAGGTAAGGGA-3'
Protein context (NP_060245.3, residues 250-270): SKQPSQAQRM[Tyr260Cys]EKALQISEEI